The following is an entry in ClinVar:

ClinVar aggregate classification (germline): Benign. Review status: criteria provided, multiple submitters, no conflicts (2 of 4 stars). 4 submissions from 4 submitters: Benign (4). Last evaluated 2024-01-24.

Allele frequency attached by ClinVar (database versions not stated): gnomAD exomes 0.09158 and 0.13876; gnomAD 0.22887 and 0.23380; TOPMed 0.25027; 1000 Genomes Project 30x 0.30590; 1000 Genomes Project 0.30252; ExAC 0.17695; ESP Exome Variant Server 0.23881.
gnomAD v4.1: 170,253 of 1,608,438 alleles (11%); highest among the groups gnomAD compares: African/African-American, 58%; 20,652 homozygotes.

Submissions (4):

Unidad de Genómica Garrahan, Hospital de Pediatría Garrahan
Classification: Benign. Last evaluated: 2024-01-24. Review status: criteria provided, single submitter. Criteria: ACMG Guidelines, 2015. Collection method: clinical testing. Allele origin: germline. Affected: no. Observed: 18 variant alleles.
Comment: This variant is classified as Benign based on local population frequency. This variant was detected in 20% of patients studied by a panel of primary immunodeficiencies. Number of patients: 18. Only high quality variants are reported.

GeneDx
Classification: Benign. Last evaluated: 2018-11-12. Review status: criteria provided, single submitter. Criteria: GeneDx Variant Classification Process June 2021. Collection method: clinical testing. Allele origin: germline. Affected: yes.

Breakthrough Genomics
Classification: Benign. Review status: criteria provided, single submitter. Criteria: ACMG Guidelines, 2015. Collection method: not provided. Allele origin: germline. Inheritance: Autosomal recessive inheritance. Affected: yes.

PreventionGenetics, part of Exact Sciences
Classification: Benign. Review status: criteria provided, single submitter. Criteria: ACMG Guidelines, 2015. Collection method: clinical testing. Allele origin: germline.

NM_199242.3(UNC13D):c.1728-48T>C

Gene: UNC13D (unc-13 homolog D; minus strand). Cytogenetic location: 17q25.1.
Variant type: single nucleotide variant.
Coding change: c.1728-48T>C on transcript NM_199242.3 (MANE Select); 48 bases into the intron before coding-DNA position 1728, T replaced by C.
Molecular consequence: intron variant.
Genome position (GRCh38, 1-based): chr17:75,835,577, A>G on the plus strand (T>C on the coding strand, the complement: UNC13D is on the minus strand). VCF-style: chr17-75835577-A-G. GRCh37 (hg19) VCF-style: chr17-73831658-A-G.
Identifiers: ClinVar variation 263217 (VCV000263217.6), dbSNP rs3744024, ClinGen allele CA8772838.